The following is an entry in ClinVar:

ClinVar aggregate classification (germline): Uncertain significance (1 of 4 stars; one submission).

Conditions:
Inborn genetic diseases. Identifiers: MedGen C0950123, MeSH D030342.

Allele frequency attached by ClinVar (database versions not stated): gnomAD exomes below 0.00001; ExAC 0.00001; TOPMed 0.00001.

Submission:

Ambry Genetics
Classification: Uncertain significance for Inborn genetic diseases. Last evaluated: 2019-12-19. Review status: criteria provided, single submitter. Criteria: Ambry Variant Classification Scheme 2023. Collection method: clinical testing. Allele origin: germline.
Comment: The p.S1176L variant (also known as c.3527C>T), located in coding exon 4 of the PRX gene, results from a C to T substitution at nucleotide position 3527. The serine at codon 1176 is replaced by leucine, an amino acid with dissimilar properties. This amino acid position is poorly conserved in available vertebrate species. In addition, this alteration is predicted to be tolerated by in silico analysis. Since supporting evidence is limited at this time, the clinical significance of this alteration remains unclear.

NM_181882.3(PRX):c.3527C>T (p.Ser1176Leu)

Gene: PRX (periaxin; minus strand). Cytogenetic location: 19q13.2.
Variant type: single nucleotide variant.
Coding change: c.3527C>T on transcript NM_181882.3 (MANE Select); coding-DNA position 3527, C replaced by T.
Protein change: p.Ser1176Leu; replaces serine 1176 with leucine.
Molecular consequence: missense variant. On other transcripts: 3 prime UTR variant (1).
Genome position (GRCh38, 1-based): chr19:40,394,825, G>A on the plus strand (C>T on the coding strand, the complement: PRX is on the minus strand). VCF-style: chr19-40394825-G-A. GRCh37 (hg19) VCF-style: chr19-40900732-G-A.
Other names: c.3812C>T, p.Ser1271Leu (NM_001411127.1); c.*3732C>T (NM_020956.2); short protein forms S1271L, S1176L.
Identifiers: ClinVar variation 1732311 (VCV001732311.2), dbSNP rs772981859, ClinGen allele CA9443839.
Genomic context (GRCh38, chr19:40,394,825, plus strand): 5'-CCAGGCAGAGACAGGGTCACCTGGGGCACCTGAACCCTGTAGCCTGCTGTGCCCTCTGCT[G>A]AAGGGACTGTACTCTGAGCCTGCTGCCCTGGGGTACCTGCCTCCCCAAAGCCGGTCAGCT-3'
Protein context (NP_870998.2, residues 1166-1186): PGQQAQSTVP[Ser1176Leu]AEGTAGYRVQ